The following is an entry in ClinVar:

ClinVar aggregate classification (germline): Pathogenic/Likely pathogenic. Review status: criteria provided, multiple submitters, no conflicts (2 of 4 stars). 2 submissions from 2 submitters: Pathogenic (1); Likely pathogenic (1). Last evaluated 2025-11-03.

Conditions:
Mucopolysaccharidosis, MPS-III-B (MPS3B). Also called: N-ACETYL-ALPHA-D-GLUCOSAMINIDASE DEFICIENCY; NAGLU DEFICIENCY; SANFILIPPO SYNDROME B; MPS III B; MPS IIIB (Sanfilippo Syndrome Type B); MUCOPOLYSACCHARIDOSIS, TYPE IIIB. Identifiers: Orphanet 79270, MedGen C0086648, MONDO:0009656, OMIM 252920.
Charcot-Marie-Tooth disease axonal type 2V. Also called: CHARCOT-MARIE-TOOTH NEUROPATHY, TYPE 2V; CHARCOT-MARIE-TOOTH DISEASE, AXONAL, AUTOSOMAL DOMINANT, TYPE 2V. Identifiers: Orphanet 447964, MedGen C5569050, MONDO:0014665, OMIM 616491.

Allele frequency attached by ClinVar (database versions not stated): gnomAD exomes below 0.00001.

Submissions (2):

Natera, Inc.
Classification: Likely pathogenic for Mucopolysaccharidosis type IIIB. Last evaluated: 2025-11-03. Review status: criteria provided, single submitter. Criteria: Natera Variant Classification Schema (03/2026). Collection method: clinical testing. Allele origin: germline.
Comment: The c.642dup variant in NAGLU is a frameshift variant predicted to shift the reading frame beginning at codon 215 and leads to a stop codon 58 codons downstream. This variant is expected to result in nonsense mediated decay, truncation, or a dysfunctional protein product. This variant is rare in the general population with a frequency below the threshold expected for the associated phenotype(s). Given the available evidence, this variant is classified as Likely Pathogenic.

Labcorp Genetics (formerly Invitae), Labcorp
Classification: Pathogenic for Charcot-Marie-Tooth disease axonal type 2V; Mucopolysaccharidosis, MPS-III-B. Last evaluated: 2021-08-01. Review status: criteria provided, single submitter. Criteria: Invitae Variant Classification Sherloc (09022015). Collection method: clinical testing. Allele origin: germline.
Comment: For these reasons, this variant has been classified as Pathogenic. This variant has not been reported in the literature in individuals affected with NAGLU-related conditions. This variant is not present in population databases (ExAC no frequency). This sequence change creates a premature translational stop signal (p.Pro215Alafs*58) in the NAGLU gene. It is expected to result in an absent or disrupted protein product. Loss-of-function variants in NAGLU are known to be pathogenic (PMID: 9832037, 10094189, 16151907).

Literature cited by the submitters: PubMed 9832037 (cited by Labcorp Genetics (formerly Invitae), Labcorp); PubMed 10094189 (cited by Labcorp Genetics (formerly Invitae), Labcorp); PubMed 16151907 (cited by Labcorp Genetics (formerly Invitae), Labcorp).

NM_000263.4(NAGLU):c.642dup (p.Pro215fs)

Gene: NAGLU (N-acetyl-alpha-glucosaminidase; plus strand). Cytogenetic location: 17q21.2.
Variant type: Duplication.
Coding change: c.642dup on transcript NM_000263.4 (MANE Select); coding-DNA position 642, one base duplicated (G; older notation c.642dupG).
Protein change: p.Pro215fs; shifts the reading frame from proline 215.
Molecular consequence: frameshift variant.
Genome position (GRCh38, 1-based): chr17:42,538,449, G duplicated. VCF-style (leftmost placement, unchanged base first): chr17-42538448-T-TG. GRCh37 (hg19) VCF-style: chr17-40690466-T-TG.
Other names: c.642dup (NM_000263.3); short protein forms P215fs.
Identifiers: ClinVar variation 1456883 (VCV001456883.7), dbSNP rs2092912932, ClinGen allele CA2260527850.